The following is an entry in ClinVar:

ClinVar aggregate classification (germline): Uncertain significance (1 of 4 stars; one submission).

Conditions:
Arginine:glycine amidinotransferase deficiency (CCDS3). Also called: L-Arginine:Glycine Amidinotransferase (AGAT) Deficiency; Creatine deficiency syndrome due to AGAT deficiency; GATM deficiency; Cerebral creatine deficiency syndrome 3; AGAT deficiency; L-Arginine:Glycine Amidinotransferase Deficiency. Identifiers: Orphanet 35704, MedGen C2675179, MONDO:0012996, OMIM 612718.

Submission:

Labcorp Genetics (formerly Invitae), Labcorp
Classification: Uncertain significance for Arginine:glycine amidinotransferase deficiency. Last evaluated: 2022-09-01. Review status: criteria provided, single submitter. Criteria: Invitae Variant Classification Sherloc (09022015). Collection method: clinical testing. Allele origin: germline.
Comment: ClinVar contains an entry for this variant (Variation ID: 1468592). Algorithms developed to predict the effect of missense changes on protein structure and function output the following: SIFT: "Tolerated"; PolyPhen-2: "Benign"; Align-GVGD: "Class C0". The serine amino acid residue is found in multiple mammalian species, which suggests that this missense change does not adversely affect protein function. In summary, the available evidence is currently insufficient to determine the role of this variant in disease. Therefore, it has been classified as a Variant of Uncertain Significance. This variant has not been reported in the literature in individuals affected with GATM-related conditions. This sequence change replaces asparagine, which is neutral and polar, with serine, which is neutral and polar, at codon 397 of the GATM protein (p.Asn397Ser). This variant is not present in population databases (gnomAD no frequency).

NM_001482.3(GATM):c.1190A>G (p.Asn397Ser)

Gene: GATM (glycine amidinotransferase; minus strand). Cytogenetic location: 15q21.1.
Variant type: single nucleotide variant.
Coding change: c.1190A>G on transcript NM_001482.3 (MANE Select); coding-DNA position 1190, A replaced by G.
Protein change: p.Asn397Ser; replaces asparagine 397 with serine.
Molecular consequence: missense variant.
Genome position (GRCh38, 1-based): chr15:45,362,191, T>C on the plus strand (A>G on the coding strand, the complement: GATM is on the minus strand). VCF-style: chr15-45362191-T-C. GRCh37 (hg19) VCF-style: chr15-45654389-T-C.
Other names: c.803A>G, p.Asn268Ser (NM_001321015.2); short protein forms N397S, N268S.
Identifiers: ClinVar variation 1468592 (VCV001468592.8), dbSNP rs2140635964, ClinGen allele CA392254959.
Genomic context (GRCh38, chr15:45,362,191, plus strand): 5'-GTGCCTCGGCGCCGGACATCGCAGGTCCAGCAATGGAAGCCTCCTCCCAGGGAATTGGCA[T>C]TACGAATGTTAACTTTAATGGTAGTGATACCTGCATTGAAAGAGAGATGAGGTCAGTTAG-3'
Protein context (NP_001473.1, residues 387-407): GITTIKVNIR[Asn397Ser]ANSLGGGFHC